The following is an entry in ClinVar:

NM_004168.4(SDHA):c.1183G>A (p.Val395Ile)

Gene: SDHA (succinate dehydrogenase complex flavoprotein subunit A; plus strand). Cytogenetic location: 5p15.33.
Variant type: single nucleotide variant.
Coding change: c.1183G>A on transcript NM_004168.4 (MANE Select); coding-DNA position 1183, G replaced by A.
Protein change: p.Val395Ile; replaces valine 395 with isoleucine.
Molecular consequence: missense variant.
Genome position (GRCh38, 1-based): chr5:235,262, G>A. VCF-style: chr5-235262-G-A. GRCh37 (hg19) VCF-style: chr5-235377-G-A.
Other names: c.1039G>A, p.Val347Ile (NM_001294332.2); c.1183G>A, p.Val395Ile (NM_001330758.2); short protein forms V395I, V347I.
Identifiers: ClinVar variation 539631 (VCV000539631.16), dbSNP rs748683825, ClinGen allele CA3173132.

ClinVar aggregate classification (germline): Uncertain significance. Review status: criteria provided, multiple submitters, no conflicts (2 of 4 stars). 4 submissions from 3 submitters: Uncertain significance (4). Last evaluated 2025-07-21.

Conditions:
Mitochondrial complex II deficiency, nuclear type 1. Also called: SUCCINATE CoQ REDUCTASE DEFICIENCY. Identifiers: Orphanet 3208, MedGen C5700310, MONDO:0100294, OMIM 252011.
Pheochromocytoma/paraganglioma syndrome 5. Also called: Paragangliomas 5; SDHA-Related Hereditary Paraganglioma-Pheochromocytoma Syndrome. Identifiers: Orphanet 29072, MedGen C3279992, MONDO:0013602, OMIM 614165.
Dilated cardiomyopathy 1GG (CMD1GG). Identifiers: Orphanet 154, MedGen C3150898, MONDO:0013339, OMIM 613642.
Hereditary cancer-predisposing syndrome. Also called: Neoplastic Syndromes, Hereditary; Tumor predisposition; Hereditary neoplastic syndrome; Hereditary Cancer Syndrome. Identifiers: Orphanet 140162, MedGen C0027672, MeSH D009386, MONDO:0015356.

Allele frequency attached by ClinVar (database versions not stated): ExAC 0.00001.
gnomAD v4.1: 2 of 1,614,044 alleles (0.00012%); highest among the groups gnomAD compares: Non-Finnish European, 0.00017%; no homozygotes.

Submissions (4):

Labcorp Genetics (formerly Invitae), Labcorp
Classification: Uncertain significance for Pheochromocytoma/paraganglioma syndrome 5; Mitochondrial complex II deficiency, nuclear type 1. Last evaluated: 2025-07-21. Review status: criteria provided, single submitter. Criteria: Invitae Variant Classification Sherloc (09022015). Collection method: clinical testing. Allele origin: germline.
Comment: This sequence change replaces valine, which is neutral and non-polar, with isoleucine, which is neutral and non-polar, at codon 395 of the SDHA protein (p.Val395Ile). This variant is present in population databases (rs748683825, gnomAD 0.003%). This variant has not been reported in the literature in individuals affected with SDHA-related conditions. ClinVar contains an entry for this variant (Variation ID: 539631). Invitae Evidence Modeling of protein sequence and biophysical properties (such as structural, functional, and spatial information, amino acid conservation, physicochemical variation, residue mobility, and thermodynamic stability) indicates that this missense variant is not expected to disrupt SDHA protein function with a negative predictive value of 95%. In summary, the available evidence is currently insufficient to determine the role of this variant in disease. Therefore, it has been classified as a Variant of Uncertain Significance.

Ambry Genetics
Classification: Uncertain significance for Hereditary cancer-predisposing syndrome. Last evaluated: 2024-05-21. Review status: criteria provided, single submitter. Criteria: Ambry Variant Classification Scheme 2023. Collection method: clinical testing. Allele origin: germline.
Comment: The p.V395I variant (also known as c.1183G>A), located in coding exon 9 of the SDHA gene, results from a G to A substitution at nucleotide position 1183. The valine at codon 395 is replaced by isoleucine, an amino acid with highly similar properties. This amino acid position is conserved. In addition, this alteration is predicted to be tolerated by in silico analysis. Since supporting evidence is limited at this time, the clinical significance of this alteration remains unclear.

Baylor Genetics
Classification: Uncertain significance for Dilated cardiomyopathy 1GG. Last evaluated: 2023-05-18. Review status: criteria provided, single submitter. Criteria: ACMG Guidelines, 2015. Collection method: clinical testing. Allele origin: unknown.

Baylor Genetics
Classification: Uncertain significance for Pheochromocytoma/paraganglioma syndrome 5. Last evaluated: 2021-02-09. Review status: criteria provided, single submitter. Criteria: ACMG Guidelines, 2015. Collection method: clinical testing. Allele origin: unknown. Affected: yes. Study: CSER-TexasKidsCanSeq.
Comment: This variant was determined to be of uncertain significance according to ACMG Guidelines, 2015 [PMID:25741868].